The following is an entry in ClinVar:

NM_000038.6(APC):c.6721T>G (p.Ser2241Ala)

Gene: APC (APC regulator of Wnt signaling pathway; plus strand). Cytogenetic location: 5q22.2.
Variant type: single nucleotide variant.
Coding change: c.6721T>G on transcript NM_000038.6 (MANE Select); coding-DNA position 6721, T replaced by G.
Protein change: p.Ser2241Ala; replaces serine 2241 with alanine.
Molecular consequence: missense variant.
Genome position (GRCh38, 1-based): chr5:112,842,315, T>G. VCF-style: chr5-112842315-T-G. GRCh37 (hg19) VCF-style: chr5-112178012-T-G.
Other names: c.6721T>G, p.Ser2241Ala (NM_001127510.3, NM_001354895.2); c.6667T>G, p.Ser2223Ala (NM_001127511.3); c.6775T>G, p.Ser2259Ala (NM_001354896.2); c.6751T>G, p.Ser2251Ala (NM_001354897.2); c.6646T>G, p.Ser2216Ala (NM_001354898.2); c.6637T>G, p.Ser2213Ala (NM_001354899.2); c.6598T>G, p.Ser2200Ala (NM_001354900.2); c.6544T>G, p.Ser2182Ala (NM_001354901.2); and 5 more; short protein forms S1958A, S2115A, S2182A, S2251A, S2259A, S2081A, S2150A, S2213A.
Identifiers: ClinVar variation 1040417 (VCV001040417.10), dbSNP rs1580673880, ClinGen allele CA16036021.

ClinVar aggregate classification (germline): Uncertain significance (1 of 4 stars; one submission).

Conditions:
Familial adenomatous polyposis 1 (FAP1). Also called: FAMILIAL ADENOMATOUS POLYPOSIS 1, ATTENUATED; POLYPOSIS, ADENOMATOUS INTESTINAL. Identifiers: MedGen C2713442, MONDO:0021056, OMIM 175100. Disease mechanism: loss of function.

Submission:

Labcorp Genetics (formerly Invitae), Labcorp
Classification: Uncertain significance for Familial adenomatous polyposis 1. Last evaluated: 2020-05-25. Review status: criteria provided, single submitter. Criteria: Invitae Variant Classification Sherloc (09022015). Collection method: clinical testing. Allele origin: germline.
Comment: Algorithms developed to predict the effect of missense changes on protein structure and function are either unavailable or do not agree on the potential impact of this missense change (SIFT: "Tolerated"; PolyPhen-2: "Possibly Damaging"; Align-GVGD: "Class C0"). In summary, the available evidence is currently insufficient to determine the role of this variant in disease. Therefore, it has been classified as a Variant of Uncertain Significance. This variant has not been reported in the literature in individuals with APC-related conditions. This variant is not present in population databases (ExAC no frequency). This sequence change replaces serine with alanine at codon 2241 of the APC protein (p.Ser2241Ala). The serine residue is highly conserved and there is a moderate physicochemical difference between serine and alanine.